The following is an entry in ClinVar:

NM_144687.4(NLRP12):c.110A>G (p.Glu37Gly)

Gene: NLRP12 (NLR family pyrin domain containing 12; minus strand). Cytogenetic location: 19q13.42.
Variant type: single nucleotide variant.
Coding change: c.110A>G on transcript NM_144687.4 (MANE Select); coding-DNA position 110, A replaced by G.
Protein change: p.Glu37Gly; replaces glutamic acid 37 with glycine.
Molecular consequence: missense variant.
Genome position (GRCh38, 1-based): chr19:53,824,065, T>C on the plus strand (A>G on the coding strand, the complement: NLRP12 is on the minus strand). VCF-style: chr19-53824065-T-C. GRCh37 (hg19) VCF-style: chr19-54327319-T-C.
Other names: c.110A>G, p.Glu37Gly (NM_001277126.2, NM_001277129.1); short protein forms E37G.
Identifiers: ClinVar variation 854803 (VCV000854803.10), dbSNP rs200568545, ClinGen allele CA9639832.

ClinVar aggregate classification (germline): Uncertain significance (1 of 4 stars; one submission).

Conditions:
Familial cold autoinflammatory syndrome 2 (FCAS2). Identifiers: Orphanet 247868, MedGen C2673198, MONDO:0012724, OMIM 611762.

Allele frequency attached by ClinVar (database versions not stated): gnomAD 0.00001 and 0.00002; gnomAD exomes 0.00001 and 0.00002; TOPMed 0.00001; ExAC 0.00002; 1000 Genomes Project 0.00020; 1000 Genomes Project 30x 0.00031.
gnomAD v4.1: 26 of 1,614,122 alleles (0.0016%); highest among the groups gnomAD compares: African/African-American, 0.0027%; no homozygotes.

Submission:

Labcorp Genetics (formerly Invitae), Labcorp
Classification: Uncertain significance for Familial cold autoinflammatory syndrome 2. Last evaluated: 2025-08-11. Review status: criteria provided, single submitter. Criteria: Invitae Variant Classification Sherloc (09022015). Collection method: clinical testing. Allele origin: germline.
Comment: This sequence change replaces glutamic acid, which is acidic and polar, with glycine, which is neutral and non-polar, at codon 37 of the NLRP12 protein (p.Glu37Gly). This variant is present in population databases (rs200568545, gnomAD 0.007%). This variant has not been reported in the literature in individuals affected with NLRP12-related conditions. ClinVar contains an entry for this variant (Variation ID: 854803). Invitae Evidence Modeling of protein sequence and biophysical properties (such as structural, functional, and spatial information, amino acid conservation, physicochemical variation, residue mobility, and thermodynamic stability) indicates that this missense variant is not expected to disrupt NLRP12 protein function with a negative predictive value of 80%. In summary, the available evidence is currently insufficient to determine the role of this variant in disease. Therefore, it has been classified as a Variant of Uncertain Significance.